The following is an entry in ClinVar:

ClinVar aggregate classification (germline): Uncertain significance (1 of 4 stars; one submission).

Submission:

Labcorp Genetics (formerly Invitae), Labcorp
Classification: Uncertain significance. Last evaluated: 2023-02-26. Review status: criteria provided, single submitter. Criteria: Invitae Variant Classification Sherloc (09022015). Collection method: clinical testing. Allele origin: germline.
Comment: This sequence change replaces methionine, which is neutral and non-polar, with leucine, which is neutral and non-polar, at codon 1053 of the SETBP1 protein (p.Met1053Leu). This variant is not present in population databases (gnomAD no frequency). This variant has not been reported in the literature in individuals affected with SETBP1-related conditions. Advanced modeling of protein sequence and biophysical properties (such as structural, functional, and spatial information, amino acid conservation, physicochemical variation, residue mobility, and thermodynamic stability) has been performed at Invitae for this missense variant, however the output from this modeling did not meet the statistical confidence thresholds required to predict the impact of this variant on SETBP1 protein function. In summary, the available evidence is currently insufficient to determine the role of this variant in disease. Therefore, it has been classified as a Variant of Uncertain Significance.

NM_015559.3(SETBP1):c.3157A>T (p.Met1053Leu)

Gene: SETBP1 (SET binding protein 1; plus strand). Cytogenetic location: 18q12.3.
Variant type: single nucleotide variant.
Coding change: c.3157A>T on transcript NM_015559.3 (MANE Select); coding-DNA position 3157, A replaced by T.
Protein change: p.Met1053Leu; replaces methionine 1053 with leucine.
Molecular consequence: missense variant.
Genome position (GRCh38, 1-based): chr18:44,952,497, A>T. VCF-style: chr18-44952497-A-T. GRCh37 (hg19) VCF-style: chr18-42532462-A-T.
Other names: c.3157A>T, p.Met1053Leu (NM_001379141.1, NM_001379142.1, NM_001410862.1); short protein forms M1053L.
Identifiers: ClinVar variation 2841154 (VCV002841154.3), dbSNP rs2511474799, ClinGen allele CA402323674.
Genomic context (GRCh38, chr18:44,952,497, plus strand): 5'-CCTTTTTTACAAGGGTTCAGCTACCCTATTCCCAGTGGAAGTTACTATGCACCCTATGGA[A>T]TGCCTTACACATCAATGCCTATGATGAACCTTGGTTATTACGGTCAGTACCCAGCTCCTT-3'
Protein context (NP_056374.2, residues 1043-1063): PSGSYYAPYG[Met1053Leu]PYTSMPMMNL